The following is an entry in ClinVar:

NM_000492.4(CFTR):c.1117-1G>T

Gene: CFTR (CF transmembrane conductance regulator; plus strand). Cytogenetic location: 7q31.2.
Variant type: single nucleotide variant.
Coding change: c.1117-1G>T on transcript NM_000492.4 (MANE Select); the canonical splice acceptor site of the intron before coding-DNA position 1117, G replaced by T.
Molecular consequence: splice acceptor variant.
Genome position (GRCh38, 1-based): chr7:117,542,015, G>T. VCF-style: chr7-117542015-G-T. GRCh37 (hg19) VCF-style: chr7-117182069-G-T.
Identifiers: ClinVar variation 2446883 (VCV002446883.2), dbSNP rs797045160, ClinGen allele CA368979764.

ClinVar aggregate classification (germline): Likely pathogenic (1 of 4 stars; one submission).

Submission:

Mayo Clinic Laboratories, Mayo Clinic
Classification: Likely pathogenic. Last evaluated: 2021-12-15. Review status: criteria provided, single submitter. Criteria: ACMG Guidelines, 2015. Collection method: clinical testing. Allele origin: germline.
Comment: PM2, PM3_supporting, PVS1_strong